The following is an entry in ClinVar:

NM_020631.6(PLEKHG5):c.2332G>T (p.Gly778Cys)

Gene: PLEKHG5 (pleckstrin homology and RhoGEF domain containing G5; minus strand). Cytogenetic location: 1p36.31.
Variant type: single nucleotide variant.
Coding change: c.2332G>T on transcript NM_020631.6 (MANE Select); coding-DNA position 2332, G replaced by T.
Protein change: p.Gly778Cys; replaces glycine 778 with cysteine.
Molecular consequence: missense variant.
Genome position (GRCh38, 1-based): chr1:6,468,504, C>A on the plus strand (G>T on the coding strand, the complement: PLEKHG5 is on the minus strand). VCF-style: chr1-6468504-C-A. GRCh37 (hg19) VCF-style: chr1-6528564-C-A.
Other names: c.2443G>T, p.Gly815Cys (NM_001042663.3, NM_001265592.2); c.2332G>T, p.Gly778Cys (NM_001042664.2, NM_001042665.2, NM_001265594.3 and 1 more transcripts); c.2539G>T, p.Gly847Cys (NM_001265593.2); short protein forms G778C, G847C, G815C.
Identifiers: ClinVar variation 1436084 (VCV001436084.5), dbSNP rs768087057, ClinGen allele CA561182.
Genomic context (GRCh38, chr1:6,468,504, plus strand): 5'-GCGTGGCAGATGAGGCAGTGGTGCTGAGAGAGGTCTCATCAGACTGGGAGCTGAAAGGAC[C>A]GCTGTCGAACTCGGGGGAGGACAGCGTGTCCCCAGGCTCTACCACAACCATGGCCAGGGT-3'
Protein context (NP_065682.2, residues 768-788): DTLSSPEFDS[Gly778Cys]PFSSQSDETS

ClinVar aggregate classification (germline): Uncertain significance (1 of 4 stars; one submission).

Conditions:
Charcot-Marie-Tooth disease recessive intermediate C. Also called: CHARCOT-MARIE-TOOTH NEUROPATHY, RECESSIVE INTERMEDIATE C. Identifiers: Orphanet 369867, MedGen C3809309, MONDO:0014154, OMIM 615376.
Neuronopathy, distal hereditary motor, autosomal recessive 4. Also called: NEUROPATHY, DISTAL HEREDITARY MOTOR, AUTOSOMAL RECESSIVE 4; Autosomal recessive lower motor neuron disease with childhood onset. Identifiers: Orphanet 206580, MedGen C1970211, MONDO:0012608, OMIM 611067.

gnomAD v4.1: 7 of 1,612,968 alleles (0.00043%); highest among the groups gnomAD compares: Non-Finnish European, 0.00051%; no homozygotes.

Submission:

Labcorp Genetics (formerly Invitae), Labcorp
Classification: Uncertain significance for Neuronopathy, distal hereditary motor, autosomal recessive 4; Charcot-Marie-Tooth disease recessive intermediate C. Last evaluated: 2021-09-17. Review status: criteria provided, single submitter. Criteria: Invitae Variant Classification Sherloc (09022015). Collection method: clinical testing. Allele origin: germline.
Comment: This sequence change replaces glycine with cysteine at codon 778 of the PLEKHG5 protein (p.Gly778Cys). The glycine residue is moderately conserved and there is a large physicochemical difference between glycine and cysteine. This variant is present in population databases (rs768087057, ExAC 0.003%). This variant has not been reported in the literature in individuals affected with PLEKHG5-related conditions. Algorithms developed to predict the effect of missense changes on protein structure and function are either unavailable or do not agree on the potential impact of this missense change (SIFT: "Deleterious"; PolyPhen-2: "Possibly Damaging"; Align-GVGD: "Class C0"). In summary, the available evidence is currently insufficient to determine the role of this variant in disease. Therefore, it has been classified as a Variant of Uncertain Significance.